The following is an entry in ClinVar:

ClinVar aggregate classification (germline): Uncertain significance. Review status: criteria provided, multiple submitters, no conflicts (2 of 4 stars). 5 submissions from 5 submitters: Uncertain significance (4). 1 of the submissions does not count toward it. Last evaluated 2022-11-22.

Conditions:
Inborn genetic diseases. Identifiers: MedGen C0950123, MeSH D030342.
NPHP3-related disorder. Also called: NPHP3-related disorders; NPHP3-related condition. Identifiers: MedGen CN379163.
Nephronophthisis 3 (NPHP3). Also called: Adolescent nephronophthisis. Identifiers: Orphanet 655, MedGen C1858392, MONDO:0011456, OMIM 604387.
NPHP3-related Meckel-like syndrome. Also called: GOLDSTON SYNDROME; Meckel syndrome type 7. Identifiers: Orphanet 3032, MedGen C2673885, MONDO:0009966, OMIM 267010.
Renal-hepatic-pancreatic dysplasia 1 (RHPD1). Identifiers: MedGen C3715199, MONDO:0008833, OMIM 208540.
Nephronophthisis. Also called: Juvenile Nephronophthisis. Identifiers: Orphanet 655, MedGen C0687120, MONDO:0019005, HP:0000090.

Allele frequency attached by ClinVar (database versions not stated): TOPMed 0.00002; gnomAD 0.00010.
gnomAD v4.1: 11 of 1,577,238 alleles (0.0007%); highest among the groups gnomAD compares: African/African-American, 0.011%; no homozygotes.

Submissions (5):

Labcorp Genetics (formerly Invitae), Labcorp
Classification: Uncertain significance for Nephronophthisis. Last evaluated: 2022-11-22. Review status: criteria provided, single submitter. Criteria: Invitae Variant Classification Sherloc (09022015). Collection method: clinical testing. Allele origin: germline.
Comment: This sequence change replaces glutamic acid, which is acidic and polar, with aspartic acid, which is acidic and polar, at codon 29 of the NPHP3 protein (p.Glu29Asp). In summary, the available evidence is currently insufficient to determine the role of this variant in disease. Therefore, it has been classified as a Variant of Uncertain Significance. Advanced modeling of protein sequence and biophysical properties (such as structural, functional, and spatial information, amino acid conservation, physicochemical variation, residue mobility, and thermodynamic stability) performed at Invitae indicates that this missense variant is not expected to disrupt NPHP3 protein function. ClinVar contains an entry for this variant (Variation ID: 497620). This variant has not been reported in the literature in individuals affected with NPHP3-related conditions. This variant is present in population databases (no rsID available, gnomAD 0.02%).

Fulgent Genetics
Classification: Uncertain significance for Renal-hepatic-pancreatic dysplasia 1; NPHP3-related Meckel-like syndrome; Nephronophthisis 3. Last evaluated: 2022-02-01. Review status: criteria provided, single submitter. Criteria: ACMG Guidelines, 2015. Collection method: clinical testing. Allele origin: unknown.

Ambry Genetics
Classification: Uncertain significance for Inborn genetic diseases. Last evaluated: 2021-08-02. Review status: criteria provided, single submitter. Criteria: Ambry Variant Classification Scheme 2023. Collection method: clinical testing. Allele origin: germline.

Eurofins Ntd Llc (ga)
Classification: Uncertain significance. Last evaluated: 2016-09-27. Review status: criteria provided, single submitter. Criteria: EGL Classification Definitions 2015. Collection method: clinical testing. Allele origin: germline. Observed: 1 variant allele, 1 heterozygote.

PreventionGenetics, part of Exact Sciences
Classification: Uncertain significance for NPHP3-related condition. Last evaluated: 2024-05-24. Review status: no assertion criteria provided. Collection method: clinical testing. Allele origin: germline. Not counted in ClinVar's aggregate classification.
Comment: The NPHP3 c.87G>T variant is predicted to result in the amino acid substitution p.Glu29Asp. To our knowledge, this variant has not been reported in the literature. This variant is reported in 0.035% of alleles in individuals of African descent in gnomAD. At this time, the clinical significance of this variant is uncertain due to the absence of conclusive functional and genetic evidence.

NM_153240.5(NPHP3):c.87G>T (p.Glu29Asp)

Genes: NPHP3-ACAD11 (NPHP3-ACAD11 readthrough (NMD candidate); minus strand), NPHP3 (nephrocystin 3; minus strand), NPHP3-AS1 (NPHP3 antisense RNA 1; plus strand), LOC129937586 (ATAC-STARR-seq lymphoblastoid silent region 14743; plus strand). Cytogenetic location: 3q22.1.
Variant type: single nucleotide variant.
Coding change: c.87G>T on transcript NM_153240.5 (MANE Select); coding-DNA position 87, G replaced by T.
Protein change: p.Glu29Asp; replaces glutamic acid 29 with aspartic acid.
Molecular consequence: missense variant. On other transcripts: non-coding transcript variant (3).
Genome position (GRCh38, 1-based): chr3:132,722,269, C>A on the plus strand (G>T on the coding strand, the complement: NPHP3 is on the minus strand). VCF-style: chr3-132722269-C-A. GRCh37 (hg19) VCF-style: chr3-132441113-C-A.
Other names: short protein forms E29D.
Identifiers: ClinVar variation 497620 (VCV000497620.17), dbSNP rs951093397, ClinGen allele CA83611153.